The following is an entry in ClinVar:

ClinVar aggregate classification (germline): Uncertain significance (1 of 4 stars; one submission).

Conditions:
Hereditary cancer-predisposing syndrome. Also called: Hereditary neoplastic syndrome; Tumor predisposition; Hereditary Cancer Syndrome; Neoplastic Syndromes, Hereditary. Identifiers: Orphanet 140162, MedGen C0027672, MeSH D009386, MONDO:0015356.

Allele frequency attached by ClinVar (database versions not stated): gnomAD 0.00001; TOPMed 0.00002.

Submission:

Ambry Genetics
Classification: Uncertain significance for Hereditary cancer-predisposing syndrome. Last evaluated: 2023-10-20. Review status: criteria provided, single submitter. Criteria: Ambry Variant Classification Scheme 2023. Collection method: clinical testing. Allele origin: germline.
Comment: The c.-4A>G variant is located in the 5' untranslated region (5&rsquo; UTR) of the NBN gene. This variant results from an A to G substitution 4 bases upstream from the first translated codon. This nucleotide position is poorly conserved in available vertebrate species. Since supporting evidence is limited at this time, the clinical significance of this alteration remains unclear.

NM_002485.5(NBN):c.-4A>G

Gene: NBN (nibrin; minus strand). Cytogenetic location: 8q21.3.
Variant type: single nucleotide variant.
Coding change: c.-4A>G on transcript NM_002485.5 (MANE Select); 4 bases upstream of the start codon, A replaced by G.
Molecular consequence: 5 prime UTR variant.
Genome position (GRCh38, 1-based): chr8:89,984,565, T>C on the plus strand (A>G on the coding strand, the complement: NBN is on the minus strand). VCF-style: chr8-89984565-T-C. GRCh37 (hg19) VCF-style: chr8-90996793-T-C.
Other names: c.-300A>G (NM_001024688.3).
Identifiers: ClinVar variation 492070 (VCV000492070.6), dbSNP rs1234783086, ClinGen allele CA658683521.